The following is an entry in ClinVar:

ClinVar aggregate classification (germline): Uncertain significance. Review status: criteria provided, multiple submitters, no conflicts (2 of 4 stars). 4 submissions from 4 submitters: Uncertain significance (4). Last evaluated 2024-09-25.

Conditions:
Renal carnitine transport defect (CDSP). Also called: Systemic primary carnitine deficiency disease; CARNITINE DEFICIENCY, SYSTEMIC, DUE TO DEFECT IN RENAL REABSORPTION OF CARNITINE; CARNITINE TRANSPORTER, PLASMA-MEMBRANE, DEFICIENCY OF; CARNITINE UPTAKE DEFECT; Systemic primary carnitine deficiency; Carnitine transporter deficiency. Identifiers: Orphanet 158, MedGen C0342788, MONDO:0008919, OMIM 212140.

Submissions (4):

GeneDx
Classification: Uncertain significance. Last evaluated: 2024-09-25. Review status: criteria provided, single submitter. Criteria: GeneDx Variant Classification Process June 2021. Collection method: clinical testing. Allele origin: germline. Affected: yes.
Comment: In silico analysis supports that this missense variant has a deleterious effect on protein structure/function; Has not been previously published as pathogenic or benign to our knowledge

Mayo Clinic Laboratories, Mayo Clinic
Classification: Uncertain significance. Last evaluated: 2024-05-16. Review status: criteria provided, single submitter. Criteria: ACMG Guidelines, 2015. Collection method: clinical testing. Allele origin: germline. Observed: 1 variant allele.

Giacomini Lab, University of California, San Francisco
Classification: Uncertain significance for Renal carnitine transport defect. Last evaluated: 2022-10-03. Review status: criteria provided, single submitter. Criteria: ACMG Guidelines, 2015. Collection method: research, in vitro. Allele origin: germline, not applicable.

Labcorp Genetics (formerly Invitae), Labcorp
Classification: Uncertain significance for Renal carnitine transport defect. Last evaluated: 2022-03-31. Review status: criteria provided, single submitter. Criteria: Invitae Variant Classification Sherloc (09022015). Collection method: clinical testing. Allele origin: germline.
Comment: This sequence change replaces glycine, which is neutral and non-polar, with alanine, which is neutral and non-polar, at codon 267 of the SLC22A5 protein (p.Gly267Ala). This variant is present in population databases (rs775430253, gnomAD 0.05%). This variant has not been reported in the literature in individuals affected with SLC22A5-related conditions. Advanced modeling of protein sequence and biophysical properties (such as structural, functional, and spatial information, amino acid conservation, physicochemical variation, residue mobility, and thermodynamic stability) performed at Invitae indicates that this missense variant is expected to disrupt SLC22A5 protein function. In summary, the available evidence is currently insufficient to determine the role of this variant in disease. Therefore, it has been classified as a Variant of Uncertain Significance.

NM_003060.4(SLC22A5):c.800G>C (p.Gly267Ala)

Gene: SLC22A5 (solute carrier family 22 member 5; plus strand). Cytogenetic location: 5q31.1.
Variant type: single nucleotide variant.
Coding change: c.800G>C on transcript NM_003060.4 (MANE Select); coding-DNA position 800, G replaced by C.
Protein change: p.Gly267Ala; replaces glycine 267 with alanine.
Molecular consequence: missense variant.
Genome position (GRCh38, 1-based): chr5:132,385,475, G>C. VCF-style: chr5-132385475-G-C. GRCh37 (hg19) VCF-style: chr5-131721167-G-C.
Other names: p.Gly267Ala; c.872G>C, p.Gly291Ala (NM_001308122.2); c.800G>C (NM_003060.3); short protein forms G267A, G291A.
Identifiers: ClinVar variation 1707682 (VCV001707682.6), dbSNP rs775430253, ClinGen allele CA3403976.
Genomic context (GRCh38, chr5:132,385,475, plus strand): 5'-CACTGTTTGCTTACTTCATCCGAGACTGGCGGATGCTGCTGGTGGCGCTGACGATGCCGG[G>C]GGTGCTATGCGTGGCACTCTGGTGGTGAGTGTGACCTTGTGCCCCATGTGCCCACTGGCA-3'
Protein context (NP_003051.1, residues 257-277): RMLLVALTMP[Gly267Ala]VLCVALWWFI